The following is an entry in ClinVar:

ClinVar aggregate classification (germline): Pathogenic (0 of 4 stars; one submission).

Submission:

Department of Pathology and Laboratory Medicine, Sinai Health System
Classification: Pathogenic. Review status: no assertion criteria provided. Collection method: clinical testing. Allele origin: unknown. Affected: yes. Study: The Canadian Open Genetics Repository (COGR).
Comment: The p.Val816_Asn862delinsPro was not identified in the literature nor was it identified in the GeneInsight, HGMD, COSMIC, Mut, MMR, InSiGHT Colon Cancer and ClinVar databases. The p.Val816 residue is conserved in mammals and lower organisms. However, computational analyses (PolyPhen2, SIFT, AlignGVGD, BLOSUM)do not suggest that the variant may impact the protein. The c.2446_2589del variant is predicted to cause abnormal splicing because the nucleotide substitution occurs in the invariant region of the splice consensus sequence. In addition, in silico or computational prediction software programs (SpliceSiteFinder, MaxEntScan, NNSPLICE, GeneSplicer, HumanSpliceFinder) predict a greater than 10% difference in splicing in 5 of 5 programs. In summary, based on the above information, this variant is classified as PATHOGENIC.

NM_000535.7(PMS2):c.2446_2589del (p.Val816_Ter863del)

Gene: PMS2 (PMS1 homolog 2, mismatch repair system component; minus strand). Cytogenetic location: 7p22.1.
Variant type: Deletion.
Coding change: c.2446_2589del on transcript NM_000535.7 (MANE Select); coding-DNA positions 2446 to 2589, 144 bases deleted.
Protein change: p.Val816_Ter863del.
Molecular consequence: stop lost, inframe deletion. On other transcripts: non-coding transcript variant (1).
Genome position (GRCh38, 1-based): chr7:5,973,399-5,973,542, 144 bases deleted. GRCh37 (hg19): chr7:6,013,030-6,013,173.
Other names: c.2041_2184del, p.Val681_Ter728del (NM_001322003.2, NM_001322004.2, NM_001322005.2); c.2290_2433del, p.Val764_Ter811del (NM_001322006.2); c.2128_2271del, p.Val710_Ter757del (NM_001322007.2, NM_001322008.2); c.2074_2217del, p.Val692_Ter739del (NM_001322009.2); c.1885_2028del, p.Val629_Ter676del (NM_001322010.2); c.1513_1656del, p.Val505_Ter552del (NM_001322011.2, NM_001322012.2); c.1873_2016del, p.Val625_Ter672del (NM_001322013.2); c.2479_2622del, p.Val827_Ter874del (NM_001322014.2); and 1 more.
Identifiers: ClinVar variation 434031 (VCV000434031.2), dbSNP rs1554292684, ClinGen allele CA645372834.